The following is an entry in ClinVar:

NC_000010.11:g.(?_14903611)_(14955432_?)dup

Genes: DCLRE1C (DNA cross-link repair 1C; minus strand), SUV39H2 (SUV39H2 histone lysine methyltransferase; plus strand). Cytogenetic location: 10p13.
Variant type: Duplication.
Identifiers: ClinVar variation 831364 (VCV000831364.5).

ClinVar aggregate classification (germline): Uncertain significance (1 of 4 stars; one submission).

Conditions:
Severe combined immunodeficiency due to DCLRE1C deficiency (RS-SCID). Also called: SCID, AUTOSOMAL RECESSIVE, T CELL-NEGATIVE, B CELL-NEGATIVE, NK CELL-POSITIVE, WITH SENSITIVITY TO IONIZING RADIATION. Identifiers: Orphanet 275, MedGen C1865371, MONDO:0011225, OMIM 602450.

Submission:

Labcorp Genetics (formerly Invitae), Labcorp
Classification: Uncertain significance for Athabaskan severe combined immunodeficiency. Last evaluated: 2019-12-26. Review status: criteria provided, single submitter. Criteria: Invitae Variant Classification Sherloc (09022015). Collection method: clinical testing. Allele origin: germline.
Comment: This variant results in a copy number gain of the genomic region encompassing the full coding sequence of the DCLRE1C gene. The boundaries of this event are unknown as they extend beyond the assayed region for this gene and therefore may encompass additional genes. As the precise location of this event is unknown, it may be in tandem or it may be located elsewhere in the genome. This variant has not been reported in the literature in individuals with DCLRE1C-related conditions. In summary, the available evidence is currently insufficient to determine the role of this variant in disease. Therefore, it has been classified as a Variant of Uncertain Significance.